The following is an entry in ClinVar:

ClinVar aggregate classification (germline): Uncertain significance (1 of 4 stars; one submission).

Allele frequency attached by ClinVar (database versions not stated): gnomAD 0.00001; TOPMed 0.00003; ESP Exome Variant Server 0.00008; gnomAD exomes below 0.00001; ExAC 0.00001.
gnomAD v4.1: 2 of 1,613,884 alleles (0.00012%); highest among the groups gnomAD compares: African/African-American, 0.0027%; no homozygotes.

Submission:

Labcorp Genetics (formerly Invitae), Labcorp
Classification: Uncertain significance. Last evaluated: 2021-04-16. Review status: criteria provided, single submitter. Criteria: Invitae Variant Classification Sherloc (09022015). Collection method: clinical testing. Allele origin: germline.
Comment: This sequence change replaces phenylalanine with tyrosine at codon 741 of the MYO5B protein (p.Phe741Tyr). The phenylalanine residue is highly conserved and there is a small physicochemical difference between phenylalanine and tyrosine. This variant is present in population databases (rs371741757, ExAC 0.01%). This variant has not been reported in the literature in individuals with MYO5B-related conditions. Algorithms developed to predict the effect of missense changes on protein structure and function are either unavailable or do not agree on the potential impact of this missense change (SIFT: "Deleterious"; PolyPhen-2: "Probably Damaging"; Align-GVGD: "Class C0"). In summary, the available evidence is currently insufficient to determine the role of this variant in disease. Therefore, it has been classified as a Variant of Uncertain Significance.

NM_001080467.3(MYO5B):c.2222T>A (p.Phe741Tyr)

Gene: MYO5B (myosin VB; minus strand). Cytogenetic location: 18q21.1.
Variant type: single nucleotide variant.
Coding change: c.2222T>A on transcript NM_001080467.3 (MANE Select); coding-DNA position 2222, T replaced by A.
Protein change: p.Phe741Tyr; replaces phenylalanine 741 with tyrosine.
Molecular consequence: missense variant.
Genome position (GRCh38, 1-based): chr18:49,906,611, A>T on the plus strand (T>A on the coding strand, the complement: MYO5B is on the minus strand). VCF-style: chr18-49906611-A-T. GRCh37 (hg19) VCF-style: chr18-47432981-A-T.
Other names: short protein forms F741Y.
Identifiers: ClinVar variation 1345719 (VCV001345719.7), dbSNP rs371741757, ClinGen allele CA8961153.